The following is an entry in ClinVar:

ClinVar aggregate classification (germline): Likely benign. Review status: criteria provided, single submitter (1 of 4 stars). 2 submissions from 2 submitters: Likely benign (1). 1 of the submissions does not count toward it. Last evaluated 2023-08-10.

Conditions:
FMN2-related disorder. Also called: FMN2-related condition.

Allele frequency attached by ClinVar (database versions not stated): ExAC 0.00001; TOPMed 0.00002.
gnomAD v4.1: 67 of 1,609,682 alleles (0.0042%); highest among the groups gnomAD compares: Middle Eastern, 0.033%; no homozygotes.

Submissions (2):

Blueprint Genetics
Classification: Likely benign. Last evaluated: 2023-08-10. Review status: criteria provided, single submitter. Criteria: ACMG Guidelines, 2015. Collection method: clinical testing. Allele origin: germline.

PreventionGenetics, part of Exact Sciences
Classification: Likely benign for FMN2-related condition. Last evaluated: 2021-03-24. Review status: no assertion criteria provided. Collection method: clinical testing. Allele origin: germline. Not counted in ClinVar's aggregate classification.
Comment: This variant is classified as likely benign based on ACMG/AMP sequence variant interpretation guidelines (Richards et al. 2015 PMID: 25741868, with internal and published modifications).

NM_020066.5(FMN2):c.3907C>T (p.Leu1303=)

Gene: FMN2 (formin 2; plus strand). Cytogenetic location: 1q43.
Variant type: single nucleotide variant.
Coding change: c.3907C>T on transcript NM_020066.5 (MANE Select); coding-DNA position 3907, C replaced by T.
Protein change: p.Leu1303=; no amino-acid change (leucine 1303 retained).
Molecular consequence: synonymous variant. On other transcripts: intron variant (1).
Genome position (GRCh38, 1-based): chr1:240,208,719, C>T. VCF-style: chr1-240208719-C-T. GRCh37 (hg19) VCF-style: chr1-240372019-C-T.
Other names: c.3919C>T, p.Leu1307= (NM_001305424.2); c.1986+20457C>T (NM_001348094.2).
Identifiers: ClinVar variation 3030498 (VCV003030498.3), dbSNP rs746599147, ClinGen allele CA1477319.
Genomic context (GRCh38, chr1:240,208,719, plus strand): 5'-AGGAAGCAGCCCATAGAGCCTTGTCGACCAATGAAGCCTCTTTACTGGACCAGGATTCAA[C>T]TACATAGTAAAAGGTAACATGAAAGTGAGCTCGTCTTTGCACAGTGTGTGTCAGTATTAG-3'
Protein context (NP_064450.3, residues 1293-1313): MKPLYWTRIQ[Leu1303=]HSKRDSSTSL